The following is an entry in ClinVar:

ClinVar aggregate classification (germline): Likely benign (1 of 4 stars; one submission).

Allele frequency attached by ClinVar (database versions not stated): gnomAD exomes below 0.00001.
gnomAD v4.1: 3 of 1,211,127 alleles (0.00025%); highest among the groups gnomAD compares: Non-Finnish European, 0.00034%; no homozygotes.

Submission:

CeGaT Center for Human Genetics Tuebingen
Classification: Likely benign. Last evaluated: 2024-03-01. Review status: criteria provided, single submitter. Criteria: CeGaT Center For Human Genetics Tuebingen Variant Classification Criteria Version 2. Collection method: clinical testing. Allele origin: germline. Affected: yes. Observed: 1 variant allele.
Comment: PTCHD1: PM2:Supporting, BP4, BP7

NM_173495.3(PTCHD1):c.468C>T (p.Val156=)

Gene: PTCHD1 (patched domain containing 1; plus strand). Cytogenetic location: Xp22.11.
Variant type: single nucleotide variant.
Coding change: c.468C>T on transcript NM_173495.3 (MANE Select); coding-DNA position 468, C replaced by T.
Protein change: p.Val156=; no amino-acid change (valine 156 retained).
Molecular consequence: synonymous variant.
Genome position (GRCh38, 1-based): chrX:23,379,707, C>T. VCF-style: chrX-23379707-C-T. GRCh37 (hg19) VCF-style: chrX-23397824-C-T.
Identifiers: ClinVar variation 3067728 (VCV003067728.21), dbSNP rs2518759694, ClinGen allele CA515619504.
Genomic context (GRCh38, chrX:23,379,707, plus strand): 5'-TGCCCATATATGTATCCTGAATAATGATAAGACTTGCATCGTGGATGACATAGTGCACGT[C>T]CTGGAAGAGCTAAAGAATGCTCGGGCCACCAATCGGACCAATTTTGCTATCACATACCCA-3'
Protein context (NP_775766.2, residues 146-166): KTCIVDDIVH[Val156=]LEELKNARAT